The following is an entry in ClinVar:

ClinVar aggregate classification (germline): Pathogenic (1 of 4 stars; one submission).

Conditions:
Glycogen phosphorylase kinase deficiency. Also called: Phosphorylase Kinase Deficiency; Glycogen Storage Disease Type IX. Identifiers: Orphanet 370, MedGen C0268147, MONDO:0700291.

Submission:

Women's Health and Genetics/Laboratory Corporation of America, LabCorp
Classification: Pathogenic for Glycogen phosphorylase kinase deficiency. Last evaluated: 2026-04-24. Review status: criteria provided, single submitter. Criteria: LabCorp Variant Classification Summary - May 2015. Collection method: clinical testing. Allele origin: germline.
Comment: Variant summary: PHKA1 c.1571_1572dupTT (p.Ile525LeufsX2) results in a premature termination codon, predicted to cause a truncation of the encoded protein or absence of the protein due to nonsense mediated decay, which are commonly known mechanisms for disease. The variant was absent in 183019 control chromosomes. To our knowledge, no occurrence of c.1571_1572dupTT in individuals affected with PHKA1-related conditions and no experimental evidence demonstrating its impact on protein function have been reported. No submitters have cited clinical-significance assessments for this variant to ClinVar. Based on the evidence outlined above, the variant was classified as pathogenic.

NM_002637.4(PHKA1):c.1571_1572dup (p.Ile525fs)

Gene: PHKA1 (phosphorylase kinase regulatory subunit alpha 1; minus strand). Cytogenetic location: Xq13.1.
Variant type: Duplication.
Coding change: c.1571_1572dup on transcript NM_002637.4 (MANE Select); coding-DNA positions 1571 to 1572, 2 bases duplicated (TT; older notation c.1571_1572dupTT).
Protein change: p.Ile525fs; shifts the reading frame from isoleucine 525.
Molecular consequence: frameshift variant.
Genome position (GRCh38, 1-based): chrX:72,635,297-72,635,298, AA duplicated on the plus strand (TT on the coding strand, the reverse complement: PHKA1 is on the minus strand); duplicating any 2 consecutive bases within chrX:72,635,297-72,635,299 gives the same sequence; the c. name uses the placement nearest the transcript's 3' end. VCF-style (leftmost placement, unchanged base first): chrX-72635296-T-TAA. GRCh37 (hg19) VCF-style: chrX-71855146-T-TAA.
Other names: c.1571_1572dupTT (NM_002637.4); c.1571_1572dup, p.Ile525fs (NM_001122670.2, NM_001172436.2, NM_001431068.1 and 2 more transcripts); short protein forms I525fs.
Identifiers: ClinVar variation 4849096 (VCV004849096.1).